The following is an entry in ClinVar:

ClinVar aggregate classification (germline): Pathogenic (1 of 4 stars; one submission).

Conditions:
Congenital contractural arachnodactyly (CCA). Also called: BEALS SYNDROME; Arthrogryposis, distal, type 9; Beals-Hecht syndrome. Identifiers: Orphanet 115, MedGen C0220668, MONDO:0007363, OMIM 121050.

Submission:

Labcorp Genetics (formerly Invitae), Labcorp
Classification: Pathogenic for Congenital contractural arachnodactyly. Last evaluated: 2020-11-21. Review status: criteria provided, single submitter. Criteria: Invitae Variant Classification Sherloc (09022015). Collection method: clinical testing. Allele origin: germline.
Comment: This sequence change replaces cysteine with glycine at codon 1323 of the FBN2 protein (p.Cys1323Gly). The cysteine residue is highly conserved and there is a large physicochemical difference between cysteine and glycine. This variant is not present in population databases (ExAC no frequency). This variant has been observed in individual(s) with congenital contractural arachnodactyly (Invitae). It has also been observed to segregate with disease in related individuals. ClinVar contains an entry for this variant (Variation ID: 640396). Algorithms developed to predict the effect of missense changes on protein structure and function are either unavailable or do not agree on the potential impact of this missense change (SIFT: "Tolerated"; PolyPhen-2: "Possibly Damaging"; Align-GVGD: "Class C0"). Algorithms developed to predict the effect of sequence changes on RNA splicing suggest that this variant may create or strengthen a splice site, but this prediction has not been confirmed by published transcriptional studies. This variant affects a cysteine residue located within an epidermal growth factor (EGF)–like domain of the FBN2 protein. Cysteine residues in these domains are involved in the formation of disulfide bridges critical for protein structure and stability (PMID: 3495735, 4750422, 16677079). In addition, missense substitutions within the FBN2 EGF-like domains affecting cysteine residues are overrepresented in patients with congenital contractural arachnodactyly (PMID: 18767143). For these reasons, this allele has been classified as Pathogenic.

Literature cited by the submitters: PubMed 3495735; PubMed 4750422; PubMed 16677079; PubMed 18767143.

NM_001999.4(FBN2):c.3967T>G (p.Cys1323Gly)

Gene: FBN2 (fibrillin 2; minus strand). Cytogenetic location: 5q23.3.
Variant type: single nucleotide variant.
Coding change: c.3967T>G on transcript NM_001999.4 (MANE Select); coding-DNA position 3967, T replaced by G.
Protein change: p.Cys1323Gly; replaces cysteine 1323 with glycine.
Molecular consequence: missense variant.
Genome position (GRCh38, 1-based): chr5:128,335,176, A>C on the plus strand (T>G on the coding strand, the complement: FBN2 is on the minus strand). VCF-style: chr5-128335176-A-C. GRCh37 (hg19) VCF-style: chr5-127670868-A-C.
Other names: short protein forms C1323G.
Identifiers: ClinVar variation 640396 (VCV000640396.9), dbSNP rs1581223990, ClinGen allele CA360757295.